The following is an entry in ClinVar:

ClinVar aggregate classification (germline): Uncertain significance. Review status: criteria provided, multiple submitters, no conflicts (2 of 4 stars). 2 submissions from 2 submitters: Uncertain significance (2). Last evaluated 2024-01-25.

Conditions:
Cone-rod dystrophy 6 (CORD6). Also called: RETINAL CONE DYSTROPHY 2; Cone dystrophy progressive. Identifiers: Orphanet 1872, MedGen C1866293, MONDO:0011143, OMIM 601777.
Leber congenital amaurosis 1 (LCA1). Also called: Congenital absence of the rods and cones; Leber's congenital tapetoretinal degeneration; Leber's congenital tapetoretinal dysplasia; RETINAL BLINDNESS, CONGENITAL; AMAUROSIS CONGENITA OF LEBER I. Identifiers: Orphanet 65, MedGen C2931258, MONDO:0008764, OMIM 204000.

Allele frequency attached by ClinVar (database versions not stated): TOPMed below 0.00001; gnomAD exomes 0.00001.

Submissions (2):

Blueprint Genetics
Classification: Uncertain significance. Last evaluated: 2024-01-25. Review status: criteria provided, single submitter. Criteria: ACMG Guidelines, 2015. Collection method: clinical testing. Allele origin: germline.

Labcorp Genetics (formerly Invitae), Labcorp
Classification: Uncertain significance for Leber congenital amaurosis 1; Cone-rod dystrophy 6. Last evaluated: 2021-09-24. Review status: criteria provided, single submitter. Criteria: Invitae Variant Classification Sherloc (09022015). Collection method: clinical testing. Allele origin: germline.
Comment: This sequence change replaces alanine with threonine at codon 930 of the GUCY2D protein (p.Ala930Thr). The alanine residue is highly conserved and there is a small physicochemical difference between alanine and threonine. This variant is not present in population databases (ExAC no frequency). This variant has not been reported in the literature in individuals with GUCY2D-related conditions. Algorithms developed to predict the effect of missense changes on protein structure and function (SIFT, PolyPhen-2, Align-GVGD) all suggest that this variant is likely to be disruptive, but these predictions have not been confirmed by published functional studies and their clinical significance is uncertain. In summary, the available evidence is currently insufficient to determine the role of this variant in disease. Therefore, it has been classified as a Variant of Uncertain Significance.

NM_000180.4(GUCY2D):c.2788G>A (p.Ala930Thr)

Gene: GUCY2D (guanylate cyclase 2D, retinal; plus strand). Cytogenetic location: 17p13.1.
Variant type: single nucleotide variant.
Coding change: c.2788G>A on transcript NM_000180.4 (MANE Select); coding-DNA position 2788, G replaced by A.
Protein change: p.Ala930Thr; replaces alanine 930 with threonine.
Molecular consequence: missense variant.
Genome position (GRCh38, 1-based): chr17:8,015,346, G>A. VCF-style: chr17-8015346-G-A. GRCh37 (hg19) VCF-style: chr17-7918664-G-A.
Other names: short protein forms A930T.
Identifiers: ClinVar variation 1441833 (VCV001441833.6), dbSNP rs1370972064, ClinGen allele CA397954336.